The following is an entry in ClinVar:

NM_032217.5(ANKRD17):c.3699T>C (p.Ala1233=)

Gene: ANKRD17 (ankyrin repeat domain 17; minus strand). Cytogenetic location: 4q13.3.
Variant type: single nucleotide variant.
Coding change: c.3699T>C on transcript NM_032217.5 (MANE Select); coding-DNA position 3699, T replaced by C.
Protein change: p.Ala1233=; no amino-acid change (alanine 1233 retained).
Molecular consequence: synonymous variant.
Genome position (GRCh38, 1-based): chr4:73,121,031, A>G on the plus strand (T>C on the coding strand, the complement: ANKRD17 is on the minus strand). VCF-style: chr4-73121031-A-G. GRCh37 (hg19) VCF-style: chr4-73986748-A-G.
Other names: c.3360T>C, p.Ala1120= (NM_001286771.3); c.3696T>C, p.Ala1232= (NM_015574.2); c.2946T>C, p.Ala982= (NM_198889.3).
Identifiers: ClinVar variation 3904970 (VCV003904970.10).

ClinVar aggregate classification (germline): Likely benign (1 of 4 stars; one submission).

gnomAD v4.1: 233 of 1,613,976 alleles (0.014%); highest among the groups gnomAD compares: Non-Finnish European, 0.018%; no homozygotes.

Submission:

CeGaT Center for Human Genetics Tuebingen
Classification: Likely benign. Last evaluated: 2026-06-01. Review status: criteria provided, single submitter. Criteria: CeGaT Center For Human Genetics Tuebingen Variant Classification Criteria Version 2. Collection method: clinical testing. Allele origin: germline. Affected: yes. Observed: 3 variant alleles.
Comment: ANKRD17: BP4, BP7